The following is an entry in ClinVar:

NM_032816.5(CEP89):c.284C>G (p.Thr95Ser)

Gene: CEP89 (centrosomal protein 89; minus strand). Cytogenetic location: 19q13.11.
Variant type: single nucleotide variant.
Coding change: c.284C>G on transcript NM_032816.5 (MANE Select); coding-DNA position 284, C replaced by G.
Protein change: p.Thr95Ser; replaces threonine 95 with serine.
Molecular consequence: missense variant.
Genome position (GRCh38, 1-based): chr19:32,959,921, G>C on the plus strand (C>G on the coding strand, the complement: CEP89 is on the minus strand). VCF-style: chr19-32959921-G-C. GRCh37 (hg19) VCF-style: chr19-33450827-G-C.
Other names: short protein forms T95S.
Identifiers: ClinVar variation 2768189 (VCV002768189.3), dbSNP rs2513767659, ClinGen allele CA405196163.

ClinVar aggregate classification (germline): Uncertain significance (1 of 4 stars; one submission).

Submission:

Labcorp Genetics (formerly Invitae), Labcorp
Classification: Uncertain significance. Last evaluated: 2023-10-14. Review status: criteria provided, single submitter. Criteria: Invitae Variant Classification Sherloc (09022015). Collection method: clinical testing. Allele origin: germline.
Comment: This sequence change replaces threonine, which is neutral and polar, with serine, which is neutral and polar, at codon 95 of the CEP89 protein (p.Thr95Ser). This variant is not present in population databases (gnomAD no frequency). This variant has not been reported in the literature in individuals affected with CEP89-related conditions. An algorithm developed to predict the effect of missense changes on protein structure and function (PolyPhen-2) suggests that this variant is likely to be disruptive. In summary, the available evidence is currently insufficient to determine the role of this variant in disease. Therefore, it has been classified as a Variant of Uncertain Significance.